The following is an entry in ClinVar:

NM_001365276.2(TNXB):c.8840C>G (p.Pro2947Arg)

Gene: TNXB (tenascin XB; minus strand). Cytogenetic location: 6p21.33.
Variant type: single nucleotide variant.
Coding change: c.8840C>G on transcript NM_001365276.2 (MANE Select); coding-DNA position 8840, C replaced by G.
Protein change: p.Pro2947Arg; replaces proline 2947 with arginine.
Molecular consequence: missense variant.
Genome position (GRCh38, 1-based): chr6:32,052,945, G>C on the plus strand (C>G on the coding strand, the complement: TNXB is on the minus strand). VCF-style: chr6-32052945-G-C. GRCh37 (hg19) VCF-style: chr6-32020722-G-C.
Other names: c.8834C>G, p.Pro2945Arg (NM_019105.8); short protein forms P2945R, P2947R.
Identifiers: ClinVar variation 2330317 (VCV002330317.2), dbSNP rs558453501, ClinGen allele CA3733724.

ClinVar aggregate classification (germline): Uncertain significance (1 of 4 stars; one submission).

Conditions:
Cardiovascular phenotype. Identifiers: MedGen CN230736.

Allele frequency attached by ClinVar (database versions not stated): ExAC 0.00011; gnomAD 0.00023; TOPMed 0.00028; 1000 Genomes Project 30x 0.00031; 1000 Genomes Project 0.00040.
gnomAD v4.1: 68 of 1,612,588 alleles (0.0042%); highest among the groups gnomAD compares: African/African-American, 0.076%; no homozygotes.

Submission:

Ambry Genetics
Classification: Uncertain significance for Cardiovascular phenotype. Last evaluated: 2023-06-27. Review status: criteria provided, single submitter. Criteria: Ambry Variant Classification Scheme 2023. Collection method: clinical testing. Allele origin: germline.
Comment: The p.P2945R variant (also known as c.8834C>G), located in coding exon 25 of the TNXB gene, results from a C to G substitution at nucleotide position 8834. The proline at codon 2945 is replaced by arginine, an amino acid with dissimilar properties. This amino acid position is well conserved in available vertebrate species. In addition, this alteration is predicted to be tolerated by in silico analysis. Since supporting evidence is limited at this time, the clinical significance of this alteration remains unclear.